The following is an entry in ClinVar:

ClinVar aggregate classification (germline): Likely benign (1 of 4 stars; one submission).

Allele frequency attached by ClinVar (database versions not stated): 1000 Genomes Project 0.00140; 1000 Genomes Project 30x 0.00187; ExAC 0.00597.

Submission:

CeGaT Center for Human Genetics Tuebingen
Classification: Likely benign. Last evaluated: 2023-07-01. Review status: criteria provided, single submitter. Criteria: CeGaT Center For Human Genetics Tuebingen Variant Classification Criteria Version 2. Collection method: clinical testing. Allele origin: germline. Affected: yes. Observed: 1 variant allele.
Comment: GOLGA8S: PP2, BS2

NM_001395373.1(GOLGA8S):c.818C>T (p.Ser273Leu)

Gene: GOLGA8S (golgin A8 family member S; plus strand). Cytogenetic location: 15q11.2.
Variant type: single nucleotide variant.
Coding change: c.818C>T on transcript NM_001395373.1 (MANE Select); coding-DNA position 818, C replaced by T.
Protein change: p.Ser273Leu; replaces serine 273 with leucine.
Molecular consequence: missense variant.
Genome position (GRCh38, 1-based): chr15:23,360,525, C>T. VCF-style: chr15-23360525-C-T. GRCh37 (hg19) VCF-style: chr15-23605672-C-T.
Other names: c.140C>T, p.Ser47Leu (NM_001355465.2); short protein forms S273L, S47L.
Identifiers: ClinVar variation 2644967 (VCV002644967.24), dbSNP rs530525459, ClinGen allele CA7427931.